The following is an entry in ClinVar:

NM_015602.4(TOR1AIP1):c.1078G>A (p.Val360Ile)

Gene: TOR1AIP1 (torsin 1A interacting protein 1; plus strand). Cytogenetic location: 1q25.2.
Variant type: single nucleotide variant.
Coding change: c.1078G>A on transcript NM_015602.4 (MANE Select); coding-DNA position 1078, G replaced by A.
Protein change: p.Val360Ile; replaces valine 360 with isoleucine.
Molecular consequence: missense variant.
Genome position (GRCh38, 1-based): chr1:179,917,565, G>A. VCF-style: chr1-179917565-G-A. GRCh37 (hg19) VCF-style: chr1-179886700-G-A.
Other names: c.1081G>A, p.Val361Ile (NM_001267578.2); short protein forms V360I, V361I.
Identifiers: ClinVar variation 2109201 (VCV002109201.4), dbSNP rs1363266878, ClinGen allele CA343573155.
Genomic context (GRCh38, chr1:179,917,565, plus strand): 5'-CTACTTCCTCTGATAGCTGCTCTTGCCTCTGGGAGTTTTTGGTTCTTTAGTACTCCTGAG[G>A]TAGAAACCACTGCTGTTCAAGAGTTCCAGAACCAGATGAATCAACTTAAGAATAAGTACC-3'
Protein context (NP_056417.2, residues 350-370): GSFWFFSTPE[Val360Ile]ETTAVQEFQN

ClinVar aggregate classification (germline): Uncertain significance (1 of 4 stars; one submission).

Conditions:
Autosomal recessive limb-girdle muscular dystrophy type 2Y (MRRSDC). Also called: Muscular dystrophy, autosomal recessive, with rigid spine and distal joint contractures; Muscular dystrophy, limb-girdle, type 2y. Identifiers: Orphanet 424261, MedGen C4511482, MONDO:0014900, OMIM 617072.

Allele frequency attached by ClinVar (database versions not stated): gnomAD exomes below 0.00001.

Submission:

Labcorp Genetics (formerly Invitae), Labcorp
Classification: Uncertain significance for Autosomal recessive limb-girdle muscular dystrophy type 2Y. Last evaluated: 2022-07-15. Review status: criteria provided, single submitter. Criteria: Invitae Variant Classification Sherloc (09022015). Collection method: clinical testing. Allele origin: germline.
Comment: This variant is present in population databases (no rsID available, gnomAD 0.003%). This variant has not been reported in the literature in individuals affected with TOR1AIP1-related conditions. Algorithms developed to predict the effect of missense changes on protein structure and function output the following: SIFT: "Tolerated"; PolyPhen-2: "Benign"; Align-GVGD: "Class C0". The isoleucine amino acid residue is found in multiple mammalian species, which suggests that this missense change does not adversely affect protein function. In summary, the available evidence is currently insufficient to determine the role of this variant in disease. Therefore, it has been classified as a Variant of Uncertain Significance. This sequence change replaces valine, which is neutral and non-polar, with isoleucine, which is neutral and non-polar, at codon 361 of the TOR1AIP1 protein (p.Val361Ile).